The following is an entry in ClinVar:

ClinVar aggregate classification (germline): Uncertain significance (1 of 4 stars; one submission).

Allele frequency attached by ClinVar (database versions not stated): gnomAD 0.00001; TOPMed 0.00002; ExAC 0.00003; gnomAD exomes 0.00003.

Submission:

GeneDx
Classification: Uncertain significance. Last evaluated: 2021-01-14. Review status: criteria provided, single submitter. Criteria: GeneDx Variant Classification Process June 2021. Collection method: clinical testing. Allele origin: germline. Affected: yes.
Comment: In silico analysis supports that this missense variant does not alter protein structure/function; Has not been previously published as pathogenic or benign to our knowledge

NM_144498.4(OSBPL2):c.388A>T (p.Met130Leu)

Gene: OSBPL2 (oxysterol binding protein like 2; plus strand). Cytogenetic location: 20q13.33.
Variant type: single nucleotide variant.
Coding change: c.388A>T on transcript NM_144498.4 (MANE Select); coding-DNA position 388, A replaced by T.
Protein change: p.Met130Leu; replaces methionine 130 with leucine.
Molecular consequence: missense variant.
Genome position (GRCh38, 1-based): chr20:62,272,254, A>T. VCF-style: chr20-62272254-A-T. GRCh37 (hg19) VCF-style: chr20-60847310-A-T.
Other names: c.112A>T, p.Met38Leu (NM_001278649.3, NM_001363878.2); c.352A>T, p.Met118Leu (NM_014835.5); short protein forms M118L, M130L, M38L.
Identifiers: ClinVar variation 1313951 (VCV001313951.2), dbSNP rs770620516, ClinGen allele CA9938433.